The following is an entry in ClinVar:

ClinVar aggregate classification (germline): Uncertain significance (1 of 4 stars; one submission).

Submission:

GeneDx
Classification: Uncertain significance. Last evaluated: 2022-02-07. Review status: criteria provided, single submitter. Criteria: GeneDx Variant Classification Process June 2021. Collection method: clinical testing. Allele origin: germline. Affected: yes.
Comment: Not observed at significant frequency in large population cohorts (gnomAD); In silico analysis supports that this missense variant does not alter protein structure/function; Has not been previously published as pathogenic or benign to our knowledge

NM_000143.4(FH):c.95C>G (p.Ala32Gly)

Gene: FH (fumarate hydratase; minus strand). Cytogenetic location: 1q43.
Variant type: single nucleotide variant.
Coding change: c.95C>G on transcript NM_000143.4 (MANE Select); coding-DNA position 95, C replaced by G.
Protein change: p.Ala32Gly; replaces alanine 32 with glycine.
Molecular consequence: missense variant.
Genome position (GRCh38, 1-based): chr1:241,519,628, G>C on the plus strand (C>G on the coding strand, the complement: FH is on the minus strand). VCF-style: chr1-241519628-G-C. GRCh37 (hg19) VCF-style: chr1-241682928-G-C.
Other names: short protein forms A32G.
Identifiers: ClinVar variation 1700276 (VCV001700276.2), dbSNP rs2147926910, ClinGen allele CA345442722.